The following is an entry in ClinVar:

ClinVar aggregate classification (germline): Likely pathogenic (1 of 4 stars; one submission).

Conditions:
Cockayne syndrome type 2 (CSB). Also called: COCKAYNE SYNDROME B; Cockayne Syndrome, Type II. Identifiers: Orphanet 191, Orphanet 90322, MedGen C0751038, MONDO:0019570, OMIM 133540.

Submission:

Myriad Genetics, Inc.
Classification: Likely pathogenic for Cockayne syndrome type 2. Last evaluated: 2022-02-25. Review status: criteria provided, single submitter. Criteria: Myriad Women's Health Autosomal Recessive and X-Linked Classification Criteria (2021). Collection method: clinical testing. Allele origin: unknown.
Comment: NM_000124.2(ERCC6):c.619G>T(E207*) is expected to be pathogenic in the context of ERCC6-related disorders. This variant is predicted to lead to an abnormal or absent protein product due to the creation of a premature termination codon in ERCC6, a gene where loss-of-function variants are known to be pathogenic. Please note: this variant was assessed in the context of healthy population screening.

NM_000124.4(ERCC6):c.619G>T (p.Glu207Ter)

Gene: ERCC6 (ERCC excision repair 6, chromatin remodeling factor; minus strand). Cytogenetic location: 10q11.23.
Variant type: single nucleotide variant.
Coding change: c.619G>T on transcript NM_000124.4 (MANE Select); coding-DNA position 619, G replaced by T.
Protein change: p.Glu207Ter; replaces glutamic acid 207 with a stop codon.
Molecular consequence: nonsense.
Genome position (GRCh38, 1-based): chr10:49,528,450, C>A on the plus strand (G>T on the coding strand, the complement: ERCC6 is on the minus strand). VCF-style: chr10-49528450-C-A. GRCh37 (hg19) VCF-style: chr10-50736496-C-A.
Other names: c.619G>T, p.Glu207Ter (NM_001277058.2, NM_001277059.2, NM_001346440.2); short protein forms E207*.
Identifiers: ClinVar variation 1724778 (VCV001724778.2), dbSNP rs746159424, ClinGen allele CA376709157.
Genomic context (GRCh38, chr10:49,528,450, plus strand): 5'-CAGAGAAACTGCTCCTAGCATCCTCACCTGCATCCTCCTCCAGACTGGCGTGATCTAGTT[C>A]AATTTTCACCTCTGCTCCTCCAAGGATGGCCTGGAGATGCTTTTGTTTTGCAGTGATCTT-3'